The following is an entry in ClinVar:

ClinVar aggregate classification (germline): Likely benign (0 of 4 stars; one submission).

Conditions:
NCSTN-related disorder. Also called: NCSTN-related condition.

Submission:

PreventionGenetics, part of Exact Sciences
Classification: Likely benign for NCSTN-related condition. Last evaluated: 2019-09-19. Review status: no assertion criteria provided. Collection method: clinical testing. Allele origin: germline.
Comment: This variant is classified as likely benign based on ACMG/AMP sequence variant interpretation guidelines (Richards et al. 2015 PMID: 25741868, with internal and published modifications).

NM_015331.3(NCSTN):c.1974C>A (p.Ala658=)

Gene: NCSTN (nicastrin; plus strand). Cytogenetic location: 1q23.2.
Variant type: single nucleotide variant.
Coding change: c.1974C>A on transcript NM_015331.3 (MANE Select); coding-DNA position 1974, C replaced by A.
Protein change: p.Ala658=; no amino-acid change (alanine 658 retained).
Molecular consequence: synonymous variant. On other transcripts: intron variant (1).
Genome position (GRCh38, 1-based): chr1:160,357,220, C>A. VCF-style: chr1-160357220-C-A. GRCh37 (hg19) VCF-style: chr1-160327010-C-A.
Other names: c.1914C>A, p.Ala638= (NM_001290184.2); c.1560C>A, p.Ala520= (NM_001290186.2); c.1794+466C>A (NM_001349729.2).
Identifiers: ClinVar variation 3044412 (VCV003044412.2), dbSNP rs1187374015, ClinGen allele CA421373156.